The following is an entry in ClinVar:

NM_153033.5(KCTD7):c.*1154T>C

Gene: KCTD7 (potassium channel tetramerization domain containing 7; plus strand). Cytogenetic location: 7q11.21.
Variant type: single nucleotide variant.
Coding change: c.*1154T>C on transcript NM_153033.5 (MANE Select); 1154 bases downstream of the stop codon, T replaced by C.
Molecular consequence: 3 prime UTR variant. On other transcripts: intron variant (1).
Genome position (GRCh38, 1-based): chr7:66,640,386, T>C. VCF-style: chr7-66640386-T-C. GRCh37 (hg19) VCF-style: chr7-66105373-T-C.
Other names: c.867-8T>C (NM_001167961.2).
Identifiers: ClinVar variation 386881 (VCV000386881.1), dbSNP rs548984079, ClinGen allele CA4278352.

ClinVar aggregate classification (germline): Likely benign (1 of 4 stars; one submission).

Allele frequency attached by ClinVar (database versions not stated): gnomAD exomes 0.00003 and 0.00005; ExAC 0.00010; 1000 Genomes Project 0.00020; TOPMed 0.00034; gnomAD 0.00042 and 0.00045; 1000 Genomes Project 30x 0.00047.
gnomAD v4.1: 100 of 1,537,340 alleles (0.0065%); highest among the groups gnomAD compares: African/African-American, 0.13%; no homozygotes.

Submission:

GeneDx
Classification: Likely benign. Last evaluated: 2016-06-23. Review status: criteria provided, single submitter. Criteria: GeneDx Variant Classification (06012015). Collection method: clinical testing. Allele origin: germline. Affected: yes.
Comment: This variant is considered likely benign or benign based on one or more of the following criteria: it is a conservative change, it occurs at a poorly conserved position in the protein, it is predicted to be benign by multiple in silico algorithms, and/or has population frequency not consistent with disease.